The following is an entry in ClinVar:

ClinVar aggregate classification (germline): Uncertain significance (1 of 4 stars; one submission).

Conditions:
Marfan syndrome (MFS). Also called: MARFAN SYNDROME, TYPE I; Marfan syndrome type 1; Marfan's syndrome; Marfan syndrome, classic; FBN1-Related Marfan Syndrome. Identifiers: Orphanet 284963, Orphanet 558, MedGen C0024796, MONDO:0007947, OMIM 154700.
Familial thoracic aortic aneurysm and aortic dissection (TAAD). Also called: Thoracic aortic aneurysms and dissections. Identifiers: Orphanet 91387, MedGen C4707243, MONDO:0019625.

Submission:

Labcorp Genetics (formerly Invitae), Labcorp
Classification: Uncertain significance for Marfan syndrome; Familial thoracic aortic aneurysm and aortic dissection. Last evaluated: 2023-03-04. Review status: criteria provided, single submitter. Criteria: Invitae Variant Classification Sherloc (09022015). Collection method: clinical testing. Allele origin: germline.
Comment: This variant is not present in population databases (gnomAD no frequency). In summary, the available evidence is currently insufficient to determine the role of this variant in disease. Therefore, it has been classified as a Variant of Uncertain Significance. Advanced modeling of protein sequence and biophysical properties (such as structural, functional, and spatial information, amino acid conservation, physicochemical variation, residue mobility, and thermodynamic stability) performed at Invitae indicates that this missense variant is expected to disrupt FBN1 protein function. This variant has not been reported in the literature in individuals affected with FBN1-related conditions. This sequence change replaces serine, which is neutral and polar, with isoleucine, which is neutral and non-polar, at codon 2313 of the FBN1 protein (p.Ser2313Ile).

NM_000138.5(FBN1):c.6938G>T (p.Ser2313Ile)

Gene: FBN1 (fibrillin 1; minus strand). Cytogenetic location: 15q21.1.
Variant type: single nucleotide variant.
Coding change: c.6938G>T on transcript NM_000138.5 (MANE Select); coding-DNA position 6938, G replaced by T.
Protein change: p.Ser2313Ile; replaces serine 2313 with isoleucine.
Molecular consequence: missense variant.
Genome position (GRCh38, 1-based): chr15:48,428,405, C>A on the plus strand (G>T on the coding strand, the complement: FBN1 is on the minus strand). VCF-style: chr15-48428405-C-A. GRCh37 (hg19) VCF-style: chr15-48720602-C-A.
Other names: c.6938G>T, p.Ser2313Ile (NM_001406716.1); short protein forms S2313I.
Identifiers: ClinVar variation 2944325 (VCV002944325.3), dbSNP rs2505415179, ClinGen allele CA392330666.